The following is an entry in ClinVar:

ClinVar aggregate classification (germline): Conflicting classifications of pathogenicity. Review status: criteria provided, conflicting classifications (1 of 4 stars). 4 submissions from 4 submitters: Uncertain significance (1); Likely benign (1). 2 of the submissions do not count toward it. Last evaluated 2025-01-16.

Conditions:
BBS10-related disorder. Also called: BBS10-related condition.
Bardet-Biedl syndrome (BBS). Identifiers: Orphanet 110, MedGen C0752166, MONDO:0015229.
Bardet-Biedl syndrome 10 (BBS10). Identifiers: Orphanet 110, MedGen C1859568, MONDO:0014438, OMIM 615987.

Allele frequency attached by ClinVar (database versions not stated): TOPMed below 0.00001; ExAC 0.00001; gnomAD 0.00001; gnomAD exomes 0.00001.
gnomAD v4.1: 19 of 1,613,766 alleles (0.0012%); highest among the groups gnomAD compares: East Asian, 0.013%; no homozygotes.

Submissions (4):

Labcorp Genetics (formerly Invitae), Labcorp
Classification: Likely benign for Bardet-Biedl syndrome. Last evaluated: 2025-01-16. Review status: criteria provided, single submitter. Criteria: Invitae Variant Classification Sherloc (09022015). Collection method: clinical testing. Allele origin: germline.

Eurofins Ntd Llc (ga)
Classification: Uncertain significance. Last evaluated: 2016-05-26. Review status: criteria provided, single submitter. Criteria: EGL Classification Definitions 2015. Collection method: clinical testing. Allele origin: germline. Observed: 1 variant allele, 1 heterozygote.

PreventionGenetics, part of Exact Sciences
Classification: Likely benign for BBS10-related condition. Last evaluated: 2019-12-11. Review status: no assertion criteria provided. Collection method: clinical testing. Allele origin: germline. Not counted in ClinVar's aggregate classification.
Comment: This variant is classified as likely benign based on ACMG/AMP sequence variant interpretation guidelines (Richards et al. 2015 PMID: 25741868, with internal and published modifications).

Natera, Inc.
Classification: Uncertain significance for Bardet-Biedl syndrome type 10. Last evaluated: 2019-10-28. Review status: no assertion criteria provided. Collection method: clinical testing. Allele origin: germline. Not counted in ClinVar's aggregate classification.

NM_024685.4(BBS10):c.483A>G (p.Lys161=)

Gene: BBS10 (Bardet-Biedl syndrome 10; minus strand). Cytogenetic location: 12q21.2.
Variant type: single nucleotide variant.
Coding change: c.483A>G on transcript NM_024685.4 (MANE Select); coding-DNA position 483, A replaced by G.
Protein change: p.Lys161=; no amino-acid change (lysine 161 retained).
Molecular consequence: synonymous variant.
Genome position (GRCh38, 1-based): chr12:76,347,502, T>C on the plus strand (A>G on the coding strand, the complement: BBS10 is on the minus strand). VCF-style: chr12-76347502-T-C. GRCh37 (hg19) VCF-style: chr12-76741282-T-C.
Other names: c.483A>G, p.Lys161= (LRG_1255t1).
Identifiers: ClinVar variation 287666 (VCV000287666.12), dbSNP rs748732850, ClinGen allele CA6694328.